The following is an entry in ClinVar:

NM_000135.4(FANCA):c.3764A>C (p.Glu1255Ala)

Gene: FANCA (FA complementation group A; minus strand). Cytogenetic location: 16q24.3.
Variant type: single nucleotide variant.
Coding change: c.3764A>C on transcript NM_000135.4 (MANE Select); coding-DNA position 3764, A replaced by C.
Protein change: p.Glu1255Ala; replaces glutamic acid 1255 with alanine.
Molecular consequence: missense variant.
Genome position (GRCh38, 1-based): chr16:89,742,801, T>G on the plus strand (A>C on the coding strand, the complement: FANCA is on the minus strand). VCF-style: chr16-89742801-T-G. GRCh37 (hg19) VCF-style: chr16-89809209-T-G.
Other names: c.3764A>C, p.Glu1255Ala (NM_001286167.3); short protein forms E1255A.
Identifiers: ClinVar variation 963048 (VCV000963048.7), dbSNP rs373998809, ClinGen allele CA8250998.

ClinVar aggregate classification (germline): Uncertain significance. Review status: criteria provided, multiple submitters, no conflicts (2 of 4 stars). 3 submissions from 3 submitters: Uncertain significance (2). 1 of the submissions does not count toward it. Last evaluated 2022-10-06.

Conditions:
FANCA-related disorder. Also called: FANCA-related condition.
Fanconi anemia (FA). Also called: Fanconi's anemia. Identifiers: Orphanet 84, MedGen C0015625, MeSH D005199, MONDO:0019391.

Allele frequency attached by ClinVar (database versions not stated): gnomAD 0.00002; ESP Exome Variant Server 0.00008; TOPMed 0.00003.
gnomAD v4.1: 36 of 1,613,454 alleles (0.0022%); highest among the groups gnomAD compares: Non-Finnish European, 0.003%; no homozygotes.

Submissions (4):

Labcorp Genetics (formerly Invitae), Labcorp
Classification: Uncertain significance for Fanconi anemia. Last evaluated: 2022-10-06. Review status: criteria provided, single submitter. Criteria: Invitae Variant Classification Sherloc (09022015). Collection method: clinical testing. Allele origin: germline.
Comment: This sequence change replaces glutamic acid, which is acidic and polar, with alanine, which is neutral and non-polar, at codon 1255 of the FANCA protein (p.Glu1255Ala). This variant is present in population databases (rs373998809, gnomAD 0.007%). This variant has not been reported in the literature in individuals affected with FANCA-related conditions. ClinVar contains an entry for this variant (Variation ID: 963048). Algorithms developed to predict the effect of missense changes on protein structure and function (SIFT, PolyPhen-2, Align-GVGD) all suggest that this variant is likely to be disruptive. Algorithms developed to predict the effect of sequence changes on RNA splicing suggest that this variant may disrupt the consensus splice site. In summary, the available evidence is currently insufficient to determine the role of this variant in disease. Therefore, it has been classified as a Variant of Uncertain Significance.

PreventionGenetics, part of Exact Sciences
Classification: Uncertain significance for FANCA-related condition. Last evaluated: 2022-10-03. Review status: criteria provided, single submitter. Criteria: ACMG Guidelines, 2015. Collection method: clinical testing. Allele origin: germline.
Comment: The FANCA c.3764A>C variant is predicted to result in the amino acid substitution p.Glu1255Ala. To our knowledge, this variant has not been reported in the literature. This variant is reported in 0.0070% of alleles in individuals of European (Non-Finnish) descent in gnomAD and is classified as a variant of uncertain significance in ClinVar. At this time, the clinical significance of this variant is uncertain due to the absence of conclusive functional and genetic evidence.

Natera, Inc.
Classification: Uncertain significance for Fanconi anemia. Last evaluated: 2020-03-31. Review status: no assertion criteria provided. Collection method: clinical testing. Allele origin: germline. Not counted in ClinVar's aggregate classification.

Dr. Peter K. Rogan Lab, Western University
No classification provided (evidence only). Condition: Ovarian serous cystadenocarcinoma. Review status: no classification provided. Collection method: in vitro. Allele origin: not applicable. Functional consequence: retained intron. Not counted in ClinVar's aggregate classification.